The following is an entry in ClinVar:

ClinVar aggregate classification (germline): Benign/Likely benign. Review status: criteria provided, multiple submitters, no conflicts (2 of 4 stars). 3 submissions from 3 submitters: Benign (1); Likely benign (2). Last evaluated 2026-08-17.

Conditions:
BCS1L-related disorder. Also called: BCS1L-related condition; BCS1L-related disorders. Identifiers: MedGen CN239240.

Allele frequency attached by ClinVar (database versions not stated): ExAC 0.00005; TOPMed 0.00018; gnomAD 0.00019 and 0.00021.
gnomAD v4.1: 62 of 1,608,120 alleles (0.0039%); highest among the groups gnomAD compares: African/African-American, 0.065%; no homozygotes.

Submissions (3):

PreventionGenetics, part of Exact Sciences
Classification: Likely benign for BCS1L-related condition. Last evaluated: 2026-08-17. Review status: criteria provided, single submitter. Criteria: ACMG Guidelines, 2015. Collection method: clinical testing. Allele origin: germline.
Comment: This variant is classified as likely benign based on ACMG/AMP sequence variant interpretation guidelines (Richards et al. 2015 PMID: 25741868, with internal and published modifications).

Labcorp Genetics (formerly Invitae), Labcorp
Classification: Likely benign. Last evaluated: 2026-01-28. Review status: criteria provided, single submitter. Criteria: Invitae Variant Classification Sherloc (09022015). Collection method: clinical testing. Allele origin: germline.

GeneDx
Classification: Benign. Last evaluated: 2015-09-11. Review status: criteria provided, single submitter. Criteria: GeneDx Variant Classification (06012015). Collection method: clinical testing. Allele origin: germline. Affected: yes.
Comment: This variant is considered likely benign or benign based on one or more of the following criteria: it is a conservative change, it occurs at a poorly conserved position in the protein, it is predicted to be benign by multiple in silico algorithms, and/or has population frequency not consistent with disease.

NM_001079866.2(BCS1L):c.461-9C>T

Gene: BCS1L (BCS1 ubiquinol-cytochrome c reductase complex chaperone; plus strand). Cytogenetic location: 2q35.
Variant type: single nucleotide variant.
Coding change: c.461-9C>T on transcript NM_001079866.2 (MANE Select); 9 bases into the intron before coding-DNA position 461, C replaced by T.
Molecular consequence: intron variant.
Genome position (GRCh38, 1-based): chr2:218,661,750, C>T. VCF-style: chr2-218661750-C-T. GRCh37 (hg19) VCF-style: chr2-219526473-C-T.
Other names: c.461-9C>T (NM_001374085.1, NM_001371446.1, NM_001371450.1 and 10 more transcripts); c.-41-9C>T (NM_001374086.1, NM_001371454.1, NM_001371453.1 and 3 more transcripts); c.101-9C>T (NM_001371451.1, NM_001318836.2).
Identifiers: ClinVar variation 377558 (VCV000377558.12), dbSNP rs780651750, ClinGen allele CA2109677.